The following is an entry in ClinVar:

ClinVar aggregate classification (germline): Likely benign. Review status: criteria provided, multiple submitters, no conflicts (2 of 4 stars). 3 submissions from 3 submitters: Likely benign (3). Last evaluated 2026-01-12.

Conditions:
RASGRP1-related disorder. Also called: RASGRP1-related condition.

Submissions (3):

Labcorp Genetics (formerly Invitae), Labcorp
Classification: Likely benign. Last evaluated: 2026-01-12. Review status: criteria provided, single submitter. Criteria: Invitae Variant Classification Sherloc (09022015). Collection method: clinical testing. Allele origin: germline.

PreventionGenetics, part of Exact Sciences
Classification: Likely benign for RASGRP1-related condition. Last evaluated: 2025-05-28. Review status: criteria provided, single submitter. Criteria: ACMG Guidelines, 2015. Collection method: clinical testing. Allele origin: germline.
Comment: This variant is classified as likely benign based on ACMG/AMP sequence variant interpretation guidelines (Richards et al. 2015 PMID: 25741868, with internal and published modifications).

Blueprint Genetics
Classification: Likely benign. Last evaluated: 2024-11-25. Review status: criteria provided, single submitter. Criteria: ACMG Guidelines, 2015. Collection method: clinical testing. Allele origin: germline.

NM_005739.4(RASGRP1):c.850-11_850-10del

Gene: RASGRP1 (RAS guanyl releasing protein 1; minus strand). Cytogenetic location: 15q14.
Variant type: Deletion.
Coding change: c.850-11_850-10del on transcript NM_005739.4 (MANE Select); 11 bases into the intron before coding-DNA position 850 through 10 bases into the intron before coding-DNA position 850, 2 bases deleted (CT; older notation c.850-11_850-10delCT).
Molecular consequence: intron variant.
Genome position (GRCh38, 1-based): chr15:38,511,730-38,511,731, AG deleted on the plus strand (CT on the coding strand, the reverse complement: RASGRP1 is on the minus strand); deleting any 2 consecutive bases within chr15:38,511,730-38,511,732 gives the same sequence; the c. name uses the placement nearest the transcript's 3' end. VCF-style (leftmost placement, unchanged base first): chr15-38511729-CAG-C. GRCh37 (hg19) VCF-style: chr15-38803930-CAG-C.
Other names: c.850-11_850-10del (NM_005739.3, NM_001306086.2, NM_001128602.2).
Identifiers: ClinVar variation 712152 (VCV000712152.12), dbSNP rs367987644, ClinGen allele CA7471017.
Genomic context (GRCh38, chr15:38,511,729, plus strand): 5'-GCCCACCTATCACAGCCATCAGTGTATTGAAGTTCTGTAGTTGGTGGAGCTTCTGTGACA[CAG>C]AAGACAGATGACAGCAGAGTCACTGTACATGTCAGTTATATGGGGAGCTTAGAGGCTGCC-3'